The following is an entry in ClinVar:

NM_002641.4(PIGA):c.908A>G (p.His303Arg)

Gene: PIGA (phosphatidylinositol glycan anchor biosynthesis class A; minus strand). Cytogenetic location: Xp22.2.
Variant type: single nucleotide variant.
Coding change: c.908A>G on transcript NM_002641.4 (MANE Select); coding-DNA position 908, A replaced by G.
Protein change: p.His303Arg; replaces histidine 303 with arginine.
Molecular consequence: missense variant. On other transcripts: non-coding transcript variant (2).
Genome position (GRCh38, 1-based): chrX:15,325,093, T>C on the plus strand (A>G on the coding strand, the complement: PIGA is on the minus strand). VCF-style: chrX-15325093-T-C. GRCh37 (hg19) VCF-style: chrX-15343215-T-C.
Other names: c.206A>G, p.His69Arg (NM_020473.3); short protein forms H303R, H69R.
Identifiers: ClinVar variation 2874682 (VCV002874682.3), dbSNP rs139991272, ClinGen allele CA10354103.

ClinVar aggregate classification (germline): Uncertain significance (1 of 4 stars; one submission).

Conditions:
Multiple congenital anomalies-hypotonia-seizures syndrome 2 (MCAHS2). Also called: EPILEPTIC ENCEPHALOPATHY, EARLY INFANTILE, 20; GLYCOSYLPHOSPHATIDYLINOSITOL BIOSYNTHESIS DEFECT 4. Identifiers: Orphanet 300496, MedGen C3275508, MONDO:0010466, OMIM 300868.

Allele frequency attached by ClinVar (database versions not stated): gnomAD exomes below 0.00001; ExAC 0.00001; ESP Exome Variant Server 0.00009.
gnomAD v4.1: 1 of 1,206,878 alleles (0.000083%); highest among the groups gnomAD compares: African/African-American, 0.0017%; no homozygotes.

Submission:

Labcorp Genetics (formerly Invitae), Labcorp
Classification: Uncertain significance for Multiple congenital anomalies-hypotonia-seizures syndrome 2. Last evaluated: 2023-04-12. Review status: criteria provided, single submitter. Criteria: Invitae Variant Classification Sherloc (09022015). Collection method: clinical testing. Allele origin: germline.
Comment: In summary, the available evidence is currently insufficient to determine the role of this variant in disease. Therefore, it has been classified as a Variant of Uncertain Significance. Advanced modeling of protein sequence and biophysical properties (such as structural, functional, and spatial information, amino acid conservation, physicochemical variation, residue mobility, and thermodynamic stability) performed at Invitae indicates that this missense variant is expected to disrupt PIGA protein function. This variant has not been reported in the literature in individuals affected with PIGA-related conditions. This variant is present in population databases (rs139991272, gnomAD 0.008%). This sequence change replaces histidine, which is basic and polar, with arginine, which is basic and polar, at codon 303 of the PIGA protein (p.His303Arg).